The following is an entry in ClinVar:

ClinVar aggregate classification (germline): Uncertain significance. Review status: criteria provided, multiple submitters, no conflicts (2 of 4 stars). 5 submissions from 5 submitters: Uncertain significance (5). Last evaluated 2025-05-15.

Conditions:
Hereditary cancer-predisposing syndrome. Also called: Tumor predisposition; Hereditary Cancer Syndrome; Hereditary neoplastic syndrome; Neoplastic Syndromes, Hereditary. Identifiers: Orphanet 140162, MedGen C0027672, MeSH D009386, MONDO:0015356.
Aplastic anemia. Identifiers: Orphanet 182040, Orphanet 88, MedGen C0002874, MONDO:0015909, OMIM 609135, HP:0001915.
Microcephaly, normal intelligence and immunodeficiency (NBS). Also called: IMMUNODEFICIENCY, MICROCEPHALY, AND CHROMOSOMAL INSTABILITY; SEEMANOVA SYNDROME II; Nijmegen breakage syndrome; Microcephaly with normal intelligence immunodeficiency and lymphoreticular malignancies; Nonsyndromal microcephaly autosomal recessive with normal intelligence; Seemanova syndrome 2. Identifiers: Orphanet 647, MedGen C0398791, MONDO:0009623, OMIM 251260.

Allele frequency attached by ClinVar (database versions not stated): gnomAD exomes below 0.00001; ExAC 0.00001.
gnomAD v4.1: 1 of 1,613,362 alleles (0.000062%); highest among the groups gnomAD compares: African/African-American, 0.0013%; no homozygotes.

Submissions (5):

Ambry Genetics
Classification: Uncertain significance for Hereditary cancer-predisposing syndrome. Last evaluated: 2025-05-15. Review status: criteria provided, single submitter. Criteria: Ambry Variant Classification Scheme 2023. Collection method: clinical testing. Allele origin: germline.
Comment: The p.K219Q variant (also known as c.655A>C), located in coding exon 6 of the NBN gene, results from an A to C substitution at nucleotide position 655. The lysine at codon 219 is replaced by glutamine, an amino acid with similar properties. This amino acid position is highly conserved in available vertebrate species. In addition, the in silico prediction for this alteration is inconclusive. Since supporting evidence is limited at this time, the clinical significance of this alteration remains unclear.

Baylor Genetics
Classification: Uncertain significance for Aplastic anemia. Last evaluated: 2023-10-05. Review status: criteria provided, single submitter. Criteria: ACMG Guidelines, 2015. Collection method: clinical testing. Allele origin: unknown.

Labcorp Genetics (formerly Invitae), Labcorp
Classification: Uncertain significance for Microcephaly, normal intelligence and immunodeficiency. Last evaluated: 2022-08-16. Review status: criteria provided, single submitter. Criteria: Invitae Variant Classification Sherloc (09022015). Collection method: clinical testing. Allele origin: germline.
Comment: This sequence change replaces lysine, which is basic and polar, with glutamine, which is neutral and polar, at codon 219 of the NBN protein (p.Lys219Gln). This variant is present in population databases (rs730881846, gnomAD 0.007%). This variant has not been reported in the literature in individuals affected with NBN-related conditions. ClinVar contains an entry for this variant (Variation ID: 182715). Algorithms developed to predict the effect of missense changes on protein structure and function are either unavailable or do not agree on the potential impact of this missense change (SIFT: "Deleterious"; PolyPhen-2: "Possibly Damaging"; Align-GVGD: "Class C0"). In summary, the available evidence is currently insufficient to determine the role of this variant in disease. Therefore, it has been classified as a Variant of Uncertain Significance.

Genome-Nilou Lab
Classification: Uncertain significance for Microcephaly, normal intelligence and immunodeficiency. Last evaluated: 2021-11-07. Review status: criteria provided, single submitter. Criteria: ACMG Guidelines, 2015. Collection method: clinical testing. Allele origin: germline. Affected: no.

GeneDx
Classification: Uncertain significance. Last evaluated: 2014-06-24. Review status: criteria provided, single submitter. Criteria: GeneDx Variant Classification (06012015). Collection method: clinical testing. Allele origin: germline. Affected: yes.
Comment: This variant is denoted NBN c.655A>C at the cDNA level, p.Lys219Gln (K219Q) at the protein level, and results in the change of a Lysine to a Glutamine (AAA>CAA). This variant has not, to our knowledge, been published in the literature as pathogenic or benign. NBN Lys219Gln was not observed in approximately 6,500 individuals of European and African American ancestry in the NHLBI Exome Sequencing Project, indicating it is not a common benign variant in these populations. Since Lysine and Glutamine differ in some properties, this is considered a semi-conservative amino acid substitution. NBN Lys219Gln occurs at a position that is well conserved across species and is located in a domain that mediates interaction with SP100 (UniProt). In silico analyses predict that this variant is probably damaging to protein structure and function. Based on currently available information, it is unclear whether NBN Lys219Gln is pathogenic or benign. We consider it to be a variant of uncertain significance.

NM_002485.5(NBN):c.655A>C (p.Lys219Gln)

Gene: NBN (nibrin; minus strand). Cytogenetic location: 8q21.3.
Variant type: single nucleotide variant.
Coding change: c.655A>C on transcript NM_002485.5 (MANE Select); coding-DNA position 655, A replaced by C.
Protein change: p.Lys219Gln; replaces lysine 219 with glutamine.
Molecular consequence: missense variant.
Genome position (GRCh38, 1-based): chr8:89,971,220, T>G on the plus strand (A>C on the coding strand, the complement: NBN is on the minus strand). VCF-style: chr8-89971220-T-G. GRCh37 (hg19) VCF-style: chr8-90983448-T-G.
Other names: p.K219Q:AAA>CAA; c.409A>C, p.Lys137Gln (NM_001024688.3); short protein forms K219Q, K137Q.
Identifiers: ClinVar variation 182715 (VCV000182715.16), dbSNP rs730881846, ClinGen allele CA299599.